The following is an entry in ClinVar:

NM_002474.3(MYH11):c.3711C>T (p.Ala1237=)

Gene: MYH11 (myosin heavy chain 11; minus strand). Cytogenetic location: 16p13.11.
Variant type: single nucleotide variant.
Coding change: c.3711C>T on transcript NM_002474.3 (MANE Select); coding-DNA position 3711, C replaced by T.
Protein change: p.Ala1237=; no amino-acid change (alanine 1237 retained).
Molecular consequence: synonymous variant.
Genome position (GRCh38, 1-based): chr16:15,726,995, G>A on the plus strand (C>T on the coding strand, the complement: MYH11 is on the minus strand). VCF-style: chr16-15726995-G-A. GRCh37 (hg19) VCF-style: chr16-15820852-G-A.
Other names: c.3732C>T, p.Ala1244= (NM_001040113.2, NM_001040114.2); c.3711C>T, p.Ala1237= (NM_022844.3); c.3711C>T (NM_002474.2).
Identifiers: ClinVar variation 928065 (VCV000928065.12), dbSNP rs576890377, ClinGen allele CA7921911.

ClinVar aggregate classification (germline): Likely benign. Review status: criteria provided, multiple submitters, no conflicts (2 of 4 stars). 4 submissions from 4 submitters: Likely benign (4). Last evaluated 2025-07-31.

Conditions:
Familial thoracic aortic aneurysm and aortic dissection (TAAD). Also called: Thoracic aortic aneurysms and dissections. Identifiers: Orphanet 91387, MedGen C4707243, MONDO:0019625.
Aortic aneurysm, familial thoracic 4 (AAT4). Also called: AORTIC ANEURYSM/AORTIC DISSECTION AND PATENT DUCTUS ARTERIOSUS. Identifiers: MedGen C1851504, MONDO:0007568, OMIM 132900.

Allele frequency attached by ClinVar (database versions not stated): gnomAD 0.00001 and 0.00002; gnomAD exomes 0.00001 and 0.00002; ExAC 0.00002; TOPMed 0.00002; 1000 Genomes Project 30x 0.00016; 1000 Genomes Project 0.00020.
gnomAD v4.1: 24 of 1,611,966 alleles (0.0015%); highest among the groups gnomAD compares: South Asian, 0.0088%; no homozygotes.

Submissions (4):

Labcorp Genetics (formerly Invitae), Labcorp
Classification: Likely benign for Aortic aneurysm, familial thoracic 4. Last evaluated: 2025-07-31. Review status: criteria provided, single submitter. Criteria: Invitae Variant Classification Sherloc (09022015). Collection method: clinical testing. Allele origin: germline.

Ambry Genetics
Classification: Likely benign for Familial thoracic aortic aneurysm and aortic dissection. Last evaluated: 2024-02-25. Review status: criteria provided, single submitter. Criteria: Ambry Variant Classification Scheme 2023. Collection method: clinical testing. Allele origin: germline.

All of Us Research Program, National Institutes of Health
Classification: Likely benign for Familial thoracic aortic aneurysm and aortic dissection. Last evaluated: 2023-11-30. Review status: criteria provided, single submitter. Criteria: ACMG Guidelines, 2015. Collection method: clinical testing. Allele origin: germline. Inheritance: Autosomal dominant inheritance. Observed: 7 variant alleles, 7 heterozygotes.
Comment: This study involves interpretation of variants in research participants for the purpose of population health screening. Participant phenotype was not available at the time of variant classification. Additional details can be found in publication PMID: 35346344, PMCID: PMC8962531

Color Diagnostics, LLC DBA Color Health
Classification: Likely benign for Familial thoracic aortic aneurysm and aortic dissection. Last evaluated: 2019-07-20. Review status: criteria provided, single submitter. Criteria: ACMG Guidelines, 2015. Collection method: clinical testing. Allele origin: germline.